The following is an entry in ClinVar:

ClinVar aggregate classification (germline): Likely benign. Review status: criteria provided, multiple submitters, no conflicts (2 of 4 stars). 3 submissions from 3 submitters: Likely benign (3). Last evaluated 2024-05-30.

Conditions:
Wilson disease (WND). Also called: Wilson's disease. Identifiers: Orphanet 905, MedGen C0019202, MONDO:0010200, OMIM 277900. Disease mechanism: loss of function.

Allele frequency attached by ClinVar (database versions not stated): gnomAD exomes below 0.00001.
gnomAD v4.1: 4 of 1,614,234 alleles (0.00025%); highest among the groups gnomAD compares: Non-Finnish European, 0.00034%; no homozygotes.

Submissions (3):

All of Us Research Program, National Institutes of Health
Classification: Likely benign for Wilson disease. Last evaluated: 2024-05-30. Review status: criteria provided, single submitter. Criteria: ACMG Guidelines, 2015. Collection method: clinical testing. Allele origin: germline. Inheritance: Autosomal recessive inheritance. Observed: 2 variant alleles, 2 heterozygotes.
Comment: This study involves interpretation of variants in research participants for the purpose of population health screening. Participant phenotype was not available at the time of variant classification. Additional details can be found in publication PMID: 35346344, PMCID: PMC8962531

Labcorp Genetics (formerly Invitae), Labcorp
Classification: Likely benign for Wilson disease. Last evaluated: 2023-11-10. Review status: criteria provided, single submitter. Criteria: Invitae Variant Classification Sherloc (09022015). Collection method: clinical testing. Allele origin: germline.

Color Diagnostics, LLC DBA Color Health
Classification: Likely benign for Wilson disease. Last evaluated: 2022-06-15. Review status: criteria provided, single submitter. Criteria: ACMG Guidelines, 2015. Collection method: clinical testing. Allele origin: germline.

NM_000053.4(ATP7B):c.3816C>T (p.Ser1272=)

Gene: ATP7B (ATPase copper transporting beta; minus strand). Cytogenetic location: 13q14.3.
Variant type: single nucleotide variant.
Coding change: c.3816C>T on transcript NM_000053.4 (MANE Select); coding-DNA position 3816, C replaced by T.
Protein change: p.Ser1272=; no amino-acid change (serine 1272 retained).
Molecular consequence: synonymous variant.
Genome position (GRCh38, 1-based): chr13:51,937,563, G>A on the plus strand (C>T on the coding strand, the complement: ATP7B is on the minus strand). VCF-style: chr13-51937563-G-A. GRCh37 (hg19) VCF-style: chr13-52511699-G-A.
Other names: c.3195C>T, p.Ser1065= (NM_001005918.3); c.3483C>T, p.Ser1161= (NM_001243182.2); c.3582C>T, p.Ser1194= (NM_001330578.2); c.3564C>T, p.Ser1188= (NM_001330579.2).
Identifiers: ClinVar variation 1664517 (VCV001664517.11), dbSNP rs2138579304, ClinGen allele CA484024328.